The following is an entry in ClinVar:

NM_001008537.3(NEXMIF):c.1370A>G (p.Lys457Arg)

Gene: NEXMIF (neurite extension and migration factor; minus strand). Cytogenetic location: Xq13.3.
Variant type: single nucleotide variant.
Coding change: c.1370A>G on transcript NM_001008537.3 (MANE Select); coding-DNA position 1370, A replaced by G.
Protein change: p.Lys457Arg; replaces lysine 457 with arginine.
Molecular consequence: missense variant.
Genome position (GRCh38, 1-based): chrX:74,743,187, T>C on the plus strand (A>G on the coding strand, the complement: NEXMIF is on the minus strand). VCF-style: chrX-74743187-T-C. GRCh37 (hg19) VCF-style: chrX-73963022-T-C.
Other names: short protein forms K457R.
Identifiers: ClinVar variation 567529 (VCV000567529.10), dbSNP rs1008249667, ClinGen allele CA331301789.

ClinVar aggregate classification (germline): Uncertain significance (1 of 4 stars; one submission).

Allele frequency attached by ClinVar (database versions not stated): gnomAD 0.00001; TOPMed 0.00002.
gnomAD v4.1: 1 of 1,208,642 alleles (0.000083%); highest among the groups gnomAD compares: African/African-American, 0.0018%; no homozygotes.

Submission:

Labcorp Genetics (formerly Invitae), Labcorp
Classification: Uncertain significance. Last evaluated: 2022-02-03. Review status: criteria provided, single submitter. Criteria: Invitae Variant Classification Sherloc (09022015). Collection method: clinical testing. Allele origin: germline.
Comment: In summary, the available evidence is currently insufficient to determine the role of this variant in disease. Therefore, it has been classified as a Variant of Uncertain Significance. Algorithms developed to predict the effect of missense changes on protein structure and function output the following: SIFT: "Tolerated"; PolyPhen-2: "Probably Damaging"; Align-GVGD: "Class C0". The arginine amino acid residue is found in multiple mammalian species, which suggests that this missense change does not adversely affect protein function. ClinVar contains an entry for this variant (Variation ID: 567529). This variant has not been reported in the literature in individuals affected with KIAA2022-related conditions. This variant is not present in population databases (gnomAD no frequency). This sequence change replaces lysine, which is basic and polar, with arginine, which is basic and polar, at codon 457 of the KIAA2022 protein (p.Lys457Arg).